The following is an entry in ClinVar:

ClinVar aggregate classification (germline): Pathogenic/Likely pathogenic. Review status: criteria provided, multiple submitters, no conflicts (2 of 4 stars). 4 submissions from 4 submitters: Pathogenic (3); Likely pathogenic (1). Last evaluated 2025-02-06.

Conditions:
Hereditary cancer-predisposing syndrome. Also called: Hereditary neoplastic syndrome; Tumor predisposition; Neoplastic Syndromes, Hereditary; Hereditary Cancer Syndrome. Identifiers: Orphanet 140162, MedGen C0027672, MeSH D009386, MONDO:0015356.
Hereditary leiomyomatosis and renal cell cancer. Also called: Familial leiomyomatosis; MULTIPLE CUTANEOUS AND UTERINE LEIOMYOMATA 1, WITH OR WITHOUT RENAL CELL CARCINOMA; LEIOMYOMA, MULTIPLE CUTANEOUS; Reed syndrome; Multiple cutaneous and uterine leiomyomatosis; Cutaneous leiomyomata with uterine leiomyomata. Identifiers: Orphanet 523, MedGen C1708350, MONDO:0007888, OMIM 150800, HP:0007437. Disease mechanism: loss of function.

Submissions (4):

Molecular Diagnostics Laboratory, Catalan Institute of Oncology
Classification: Pathogenic for Hereditary cancer-predisposing syndrome. Last evaluated: 2025-02-06. Review status: criteria provided, single submitter. Criteria: ACMG Guidelines, 2015. Collection method: clinical testing. Allele origin: germline.
Comment: PVS1, PM2_Supporting, PP4 c.237dup, located in exon 3 of the FH gene, is expected to result in loss of function by premature protein truncation before codon 80, p.(Lys80*).This alteration is expected to result in loss of function by premature protein truncation and nonsense-mediated mRNA decay (PVS1). It is not present in the population database gnomAD v2.1.1, non cancer dataset (PM2_supporting). The SpliceAI algorithm predicts no significant impact on splicing. This mutation has been identified in several individuals diagnosed with renal cancer and multiple leiomyomas (PMID: 31831373 and internal data)(PP4).The variant has been reported as pathogenic in the ClinVar database (2x) but it has not been identified in the LOVD database. Based on currently available information, the variant c.237dup is classified as a pathogenic variant according to ACMG guidelines.

Labcorp Genetics (formerly Invitae), Labcorp
Classification: Pathogenic. Last evaluated: 2024-05-30. Review status: criteria provided, single submitter. Criteria: Invitae Variant Classification Sherloc (09022015). Collection method: clinical testing. Allele origin: germline.
Comment: This sequence change creates a premature translational stop signal (p.Lys80*) in the FH gene. It is expected to result in an absent or disrupted protein product. Loss-of-function variants in FH are known to be pathogenic (PMID: 11865300, 21398687). This variant is not present in population databases (gnomAD no frequency). This premature translational stop signal has been observed in individual(s) with cutaneous leiomyomata (PMID: 31831373). ClinVar contains an entry for this variant (Variation ID: 480830). For these reasons, this variant has been classified as Pathogenic.

Ambry Genetics
Classification: Pathogenic for Hereditary cancer-predisposing syndrome. Last evaluated: 2023-12-14. Review status: criteria provided, single submitter. Criteria: Ambry Variant Classification Scheme 2023. Collection method: clinical testing. Allele origin: germline.
Comment: The c.237dupT pathogenic mutation, located in coding exon 2 of the FH gene, results from a duplication of T at nucleotide position 237, causing a translational frameshift with a predicted alternate stop codon (p.K80*). This alteration has been observed in at least one individual with a personal and/or family history that is consistent with FH-related disease (Ambry internal data). This variant is considered to be rare based on population cohorts in the Genome Aggregation Database (gnomAD). This alteration is expected to result in loss of function by premature protein truncation or nonsense-mediated mRNA decay. As such, this alteration is interpreted as a disease-causing mutation.

Juno Genomics, Hangzhou Juno Genomics, Inc
Classification: Likely pathogenic for Hereditary leiomyomatosis and renal cell cancer. Review status: criteria provided, single submitter. Criteria: ACMG Guidelines, 2015. Collection method: clinical testing. Allele origin: germline.
Comment: Null variant in a gene where loss of function (LOF) is a known mechanism of disease.;Absent from controls (or at extremely low frequency if recessive) in Genome Aggregation Database.

Literature cited by the submitters: PubMed 11865300 (cited by Labcorp Genetics (formerly Invitae), Labcorp); PubMed 21398687 (cited by Labcorp Genetics (formerly Invitae), Labcorp); PubMed 31831373 (cited by Labcorp Genetics (formerly Invitae), Labcorp).

NM_000143.4(FH):c.237dup (p.Lys80Ter)

Gene: FH (fumarate hydratase; minus strand). Cytogenetic location: 1q43.
Variant type: Duplication.
Coding change: c.237dup on transcript NM_000143.4 (MANE Select); coding-DNA position 237, one base duplicated (T; older notation c.237dupT).
Protein change: p.Lys80Ter; replaces lysine 80 with a stop codon.
Molecular consequence: nonsense.
Genome position (GRCh38, 1-based): chr1:241,517,212, A duplicated on the plus strand (T on the coding strand, the reverse complement: FH is on the minus strand); the first of 3 consecutive A bases (chr1:241,517,212-241,517,214); duplicating any one gives the same sequence. VCF-style (leftmost placement, unchanged base first): chr1-241517211-T-TA. GRCh37 (hg19) VCF-style: chr1-241680511-T-TA.
Other names: c.237dupT (NM_000143.3); short protein forms K80*.
Identifiers: ClinVar variation 480830 (VCV000480830.16), dbSNP rs1553341945, ClinGen allele CA658657002.